The following is an entry in ClinVar:

ClinVar aggregate classification (germline): Pathogenic (1 of 4 stars; one submission).

Conditions:
Familial thoracic aortic aneurysm and aortic dissection (TAAD). Also called: Thoracic aortic aneurysms and dissections. Identifiers: Orphanet 91387, MedGen C4707243, MONDO:0019625.
Hereditary cancer-predisposing syndrome. Also called: Tumor predisposition; Hereditary Cancer Syndrome; Neoplastic Syndromes, Hereditary; Hereditary neoplastic syndrome. Identifiers: Orphanet 140162, MedGen C0027672, MeSH D009386, MONDO:0015356.

Submission:

Ambry Genetics
Classification: Pathogenic for Hereditary cancer-predisposing syndrome; Familial thoracic aortic aneurysm and aortic dissection. Last evaluated: 2015-12-16. Review status: criteria provided, single submitter. Criteria: Ambry Variant Classification Scheme 2023. Collection method: clinical testing. Allele origin: germline.
Comment: The c.263_287dup25 pathogenic mutation, located in coding exon 2 of the SMAD4 gene, results from a duplication of 25 nucleotides at position 263, causing a translational frameshift with a predicted alternate stop codon (p.L98IFS*14). Since frameshifts are typically deleterious in nature, this alteration is interpreted as a disease-causing mutation (ACMG Recommendations for Standards for Interpretation and Reporting of Sequence Variations. Revision 2007. Genet Med. 2008;10:294).

NM_005359.6(SMAD4):c.263_287dup (p.Leu98fs)

Gene: SMAD4 (SMAD family member 4; plus strand). Cytogenetic location: 18q21.2.
Variant type: Duplication.
Coding change: c.263_287dup on transcript NM_005359.6 (MANE Select); coding-DNA positions 263 to 287, 25 bases duplicated (AAGGATTTCCTCATGTGATCTATGC).
Protein change: p.Leu98fs; shifts the reading frame from leucine 98.
Molecular consequence: frameshift variant.
Genome position (GRCh38, 1-based): chr18:51,048,699-51,048,723, AAGGATTTCCTCATGTGATCTATGC duplicated. VCF-style (leftmost placement, unchanged base first): chr18-51048698-A-AAAGGATTTCCTCATGTGATCTATGC. GRCh37 (hg19) VCF-style: chr18-48575068-A-AAAGGATTTCCTCATGTGATCTATGC.
Other names: c.263_287dup, p.Leu98Ilefs (NM_001407041.1, NM_001407042.1, NM_001407043.1); c.263_287dupAAGGATTTCCTCATGTGATCTATGC (NM_005359.5); short protein forms L98fs.
Identifiers: ClinVar variation 1794042 (VCV001794042.2), dbSNP rs2511369276, ClinGen allele CA2580095864.